The following is an entry in ClinVar:

ClinVar aggregate classification (germline): Uncertain significance. Review status: criteria provided, multiple submitters, no conflicts (2 of 4 stars). 2 submissions from 2 submitters: Uncertain significance (2). Last evaluated 2025-09-10.

Conditions:
Cardiovascular phenotype. Identifiers: MedGen CN230736.

gnomAD v4.1: 5 of 1,613,948 alleles (0.00031%); highest among the groups gnomAD compares: Non-Finnish European, 0.00042%; no homozygotes.

Submissions (2):

Ambry Genetics
Classification: Uncertain significance for Cardiovascular phenotype. Last evaluated: 2025-09-10. Review status: criteria provided, single submitter. Criteria: Ambry Variant Classification Scheme 2023. Collection method: clinical testing. Allele origin: germline.
Comment: The p.Q557R variant (also known as c.1670A>G), located in coding exon 14 of the PTPN11 gene, results from an A to G substitution at nucleotide position 1670. The glutamine at codon 557 is replaced by arginine, an amino acid with highly similar properties. This amino acid position is conserved. In addition, the in silico prediction for this alteration is inconclusive. Based on the available evidence, the clinical significance of this variant remains unclear.

GeneDx
Classification: Uncertain significance. Last evaluated: 2025-03-31. Review status: criteria provided, single submitter. Criteria: GeneDx Variant Classification Process June 2021. Collection method: clinical testing. Allele origin: germline. Affected: yes.
Comment: Missense variants in this gene are a common cause of disease and they are underrepresented in the general population; In silico analysis indicates that this missense variant does not alter protein structure/function; Has not been previously published as pathogenic or benign to our knowledge; This variant is associated with the following publications: (PMID: 29493581)

NM_002834.5(PTPN11):c.1670A>G (p.Gln557Arg)

Gene: PTPN11 (protein tyrosine phosphatase non-receptor type 11; plus strand). Cytogenetic location: 12q24.13.
Variant type: single nucleotide variant.
Coding change: c.1670A>G on transcript NM_002834.5 (MANE Select); coding-DNA position 1670, A replaced by G.
Protein change: p.Gln557Arg; replaces glutamine 557 with arginine.
Molecular consequence: missense variant.
Genome position (GRCh38, 1-based): chr12:112,502,214, A>G. VCF-style: chr12-112502214-A-G. GRCh37 (hg19) VCF-style: chr12-112940018-A-G.
Other names: c.1682A>G, p.Gln561Arg (NM_001330437.2); c.1667A>G, p.Gln556Arg (NM_001374625.1); short protein forms Q557R, Q556R, Q561R.
Identifiers: ClinVar variation 4147383 (VCV004147383.2).